The following is an entry in ClinVar:

NM_052844.4(DYNC2I2):c.571C>T (p.Leu191Phe)

Gene: DYNC2I2 (dynein 2 intermediate chain 2; minus strand). Cytogenetic location: 9q34.11.
Variant type: single nucleotide variant.
Coding change: c.571C>T on transcript NM_052844.4 (MANE Select); coding-DNA position 571, C replaced by T.
Protein change: p.Leu191Phe; replaces leucine 191 with phenylalanine.
Molecular consequence: missense variant.
Genome position (GRCh38, 1-based): chr9:128,636,413, G>A on the plus strand (C>T on the coding strand, the complement: DYNC2I2 is on the minus strand). VCF-style: chr9-128636413-G-A. GRCh37 (hg19) VCF-style: chr9-131398692-G-A.
Other names: short protein forms L191F.
Identifiers: ClinVar variation 2003455 (VCV002003455.4), dbSNP rs753013195, ClinGen allele CA375122591.

ClinVar aggregate classification (germline): Uncertain significance (1 of 4 stars; one submission).

Conditions:
Short-rib thoracic dysplasia 11 with or without polydactyly (SRTD11). Also called: SHORT-RIB THORACIC DYSPLASIA 11 WITHOUT POLYDACTYLY. Identifiers: Orphanet 474, Orphanet 93271, MedGen C3810200, MONDO:0014287, OMIM 615633.

gnomAD v4.1: 1 of 1,608,568 alleles (0.000062%); highest among the groups gnomAD compares: Non-Finnish European, 0.000085%; no homozygotes.

Submission:

Labcorp Genetics (formerly Invitae), Labcorp
Classification: Uncertain significance for Short-rib thoracic dysplasia 11 with or without polydactyly. Last evaluated: 2023-07-17. Review status: criteria provided, single submitter. Criteria: Invitae Variant Classification Sherloc (09022015). Collection method: clinical testing. Allele origin: germline.
Comment: This variant has not been reported in the literature in individuals affected with WDR34-related conditions. This variant is not present in population databases (gnomAD no frequency). This sequence change replaces leucine, which is neutral and non-polar, with phenylalanine, which is neutral and non-polar, at codon 191 of the WDR34 protein (p.Leu191Phe). ClinVar contains an entry for this variant (Variation ID: 2003455). In summary, the available evidence is currently insufficient to determine the role of this variant in disease. Therefore, it has been classified as a Variant of Uncertain Significance. An algorithm developed to predict the effect of missense changes on protein structure and function (PolyPhen-2) suggests that this variant is likely to be tolerated.